The following is an entry in ClinVar:

NM_000384.3(APOB):c.4754A>T (p.Asn1585Ile)

Gene: APOB (apolipoprotein B; minus strand). Cytogenetic location: 2p24.1.
Variant type: single nucleotide variant.
Coding change: c.4754A>T on transcript NM_000384.3 (MANE Select); coding-DNA position 4754, A replaced by T.
Protein change: p.Asn1585Ile; replaces asparagine 1585 with isoleucine.
Molecular consequence: missense variant.
Genome position (GRCh38, 1-based): chr2:21,012,114, T>A on the plus strand (A>T on the coding strand, the complement: APOB is on the minus strand). VCF-style: chr2-21012114-T-A. GRCh37 (hg19) VCF-style: chr2-21234986-T-A.
Other names: short protein forms N1585I.
Identifiers: ClinVar variation 702659 (VCV000702659.58), dbSNP rs549983245, ClinGen allele CA061267.

ClinVar aggregate classification (germline): Conflicting classifications of pathogenicity. Review status: criteria provided, conflicting classifications (1 of 4 stars). 4 submissions from 4 submitters: Uncertain significance (1); Likely benign (3). Last evaluated 2026-07-31.

Conditions:
Cardiovascular phenotype. Identifiers: MedGen CN230736.
Familial hypobetalipoproteinemia 1. Also called: APOB-Related Familial Hypobetalipoproteinemia; Hypobetalipoproteinemia, normotriglyceridemic; Acanthocytosis with hypobetalipoproteinemia. Identifiers: MedGen C4551990, MONDO:0014252, OMIM 615558.
Hypercholesterolemia, autosomal dominant, type B (FHCL2). Also called: HYPERCHOLESTEROLEMIA, FAMILIAL, DUE TO LIGAND-DEFECTIVE APOLIPOPROTEIN B; Hyperlipoproteinemia Type IIb; Familial Hypercholesterolemia Type B; Familial hypercholesterolemia 2; APOLIPOPROTEIN B-100, FAMILIAL DEFECTIVE; APOLIPOPROTEIN B-100, FAMILIAL LIGAND-DEFECTIVE. Identifiers: MedGen C1704417, MONDO:0007751, OMIM 144010.

Allele frequency attached by ClinVar (database versions not stated): TOPMed 0.00001; gnomAD below 0.00001 and 0.00006; ExAC 0.00016; gnomAD exomes 0.00016 and 0.00008; 1000 Genomes Project 30x 0.00031; 1000 Genomes Project 0.00040.
gnomAD v4.1: 129 of 1,610,264 alleles (0.008%); highest among the groups gnomAD compares: South Asian, 0.14%; no homozygotes.

Submissions (4):

GeneDx
Classification: Uncertain significance. Last evaluated: 2026-07-31. Review status: criteria provided, single submitter. Criteria: GeneDx Variant Classification Process June 2021. Collection method: clinical testing. Allele origin: germline.
Comment: Seen with another variant in APOB in an unknown phase in a family with primary angle closure glaucoma (PACG); this family also harbored many other variants in many other genes (PMID: 36833422); In silico analysis supports that this missense variant has a deleterious effect on protein structure/function; This variant is associated with the following publications: (PMID: 36833422)

Labcorp Genetics (formerly Invitae), Labcorp
Classification: Likely benign for Familial hypobetalipoproteinemia 1; Hypercholesterolemia, autosomal dominant, type B. Last evaluated: 2025-07-30. Review status: criteria provided, single submitter. Criteria: Invitae Variant Classification Sherloc (09022015). Collection method: clinical testing. Allele origin: germline.

Quest Diagnostics Nichols Institute San Juan Capistrano
Classification: Likely benign. Last evaluated: 2020-12-03. Review status: criteria provided, single submitter. Criteria: Quest Diagnostics criteria. Collection method: clinical testing. Allele origin: unknown.

Ambry Genetics
Classification: Likely benign for Cardiovascular phenotype. Last evaluated: 2020-03-13. Review status: criteria provided, single submitter. Criteria: Ambry Variant Classification Scheme 2023. Collection method: clinical testing. Allele origin: germline.